The following is an entry in ClinVar:

NM_001267550.2(TTN):c.17115C>T (p.Gly5705=)

Genes: TTN (titin; minus strand), LOC126806431 (CDK7 strongly-dependent group 2 enhancer GRCh37_chr2:179595719-179596918; plus strand). Cytogenetic location: 2q31.2.
Variant type: single nucleotide variant.
Coding change: c.17115C>T on transcript NM_001267550.2 (MANE Select); coding-DNA position 17115, C replaced by T.
Protein change: p.Gly5705=; no amino-acid change (glycine 5705 retained).
Molecular consequence: synonymous variant. On other transcripts: intron variant (3).
Genome position (GRCh38, 1-based): chr2:178,731,760, G>A on the plus strand (C>T on the coding strand, the complement: TTN is on the minus strand). VCF-style: chr2-178731760-G-A. GRCh37 (hg19) VCF-style: chr2-179596487-G-A.
Other names: c.16164C>T, p.Gly5388= (NM_001256850.1); c.13383C>T, p.Gly4461= (NM_133378.4); c.13282+6322C>T (NM_003319.4); c.13858+6322C>T (NM_133437.4); c.13657+6322C>T (NM_133432.3).
Identifiers: ClinVar variation 228059 (VCV000228059.29), dbSNP rs370036981, ClinGen allele CA2001914.

ClinVar aggregate classification (germline): Benign/Likely benign. Review status: criteria provided, multiple submitters, no conflicts (2 of 4 stars). 14 submissions from 11 submitters: Benign (5); Likely benign (7). 2 of the submissions do not count toward it. Last evaluated 2026-01-20.

Conditions:
TTN-related disorder. Also called: TTN-related disorders; TTN-related condition; TTN-related disease.
Dilated cardiomyopathy 1G (CMD1G). Identifiers: Orphanet 154, MedGen C1858763, MONDO:0011400, OMIM 604145.
Autosomal recessive limb-girdle muscular dystrophy type 2J (LGMDR10). Also called: Limb-girdle muscular dystrophy, type 2J; MUSCULAR DYSTROPHY, LIMB-GIRDLE, AUTOSOMAL RECESSIVE 10. Identifiers: Orphanet 140922, MedGen C1837342, MONDO:0012127, OMIM 608807.
Myopathy, myofibrillar, 9, with early respiratory failure (MFM9). Also called: Myopathy, distal, with early respiratory failure, autosomal dominant; MYOPATHY, PROXIMAL, WITH EARLY RESPIRATORY MUSCLE INVOLVEMENT; Hereditary myopathy with early respiratory failure; EDSTROM MYOPATHY. Identifiers: Orphanet 178464, Orphanet 34521, MedGen C1863599, MONDO:0011362, OMIM 603689.
Tibial muscular dystrophy (TMD). Also called: Tibial muscular dystrophy, tardive; Udd Distal Myopathy – Tibial Muscular Dystrophy; UDD MYOPATHY. Identifiers: Orphanet 609, MedGen C1838244, MONDO:0010870, OMIM 600334.
Early-onset myopathy with fatal cardiomyopathy (CMYO5). Also called: CONGENITAL MYOPATHY 5 WITH CARDIOMYOPATHY; Salih Myopathy. Identifiers: Orphanet 289377, MedGen C2673677, MONDO:0012714, OMIM 611705. Disease mechanism: loss of function.

Allele frequency attached by ClinVar (database versions not stated): ESP Exome Variant Server 0.00041; gnomAD 0.00058 and 0.00061; TOPMed 0.00060; 1000 Genomes Project 0.00080; 1000 Genomes Project 30x 0.00094.
gnomAD v4.1: 193 of 1,613,678 alleles (0.012%); highest among the groups gnomAD compares: African/African-American, 0.22%; no homozygotes.

Submissions (14):

Labcorp Genetics (formerly Invitae), Labcorp
Classification: Benign for Dilated cardiomyopathy 1G; Autosomal recessive limb-girdle muscular dystrophy type 2J. Last evaluated: 2026-01-20. Review status: criteria provided, single submitter. Criteria: Invitae Variant Classification Sherloc (09022015). Collection method: clinical testing. Allele origin: germline.

PreventionGenetics, part of Exact Sciences
Classification: Likely benign for TTN-related condition. Last evaluated: 2025-05-22. Review status: criteria provided, single submitter. Criteria: ACMG Guidelines, 2015. Collection method: clinical testing. Allele origin: germline.
Comment: This variant is classified as likely benign based on ACMG/AMP sequence variant interpretation guidelines (Richards et al. 2015 PMID: 25741868, with internal and published modifications).

Molecular Diagnostic Laboratory for Inherited Cardiovascular Disease, Montreal Heart Institute
Classification: Likely benign. Last evaluated: 2025-04-09. Review status: criteria provided, single submitter. Criteria: ACMG Guidelines, 2015. Collection method: clinical testing. Allele origin: germline. Affected: no.

Blueprint Genetics
Classification: Likely benign. Last evaluated: 2024-09-02. Review status: criteria provided, single submitter. Criteria: ACMG Guidelines, 2015. Collection method: clinical testing. Allele origin: germline.

Genome-Nilou Lab
Classification: Benign for Autosomal recessive limb-girdle muscular dystrophy type 2J. Last evaluated: 2021-09-10. Review status: criteria provided, single submitter. Criteria: ACMG Guidelines, 2015. Collection method: clinical testing. Allele origin: germline. Affected: no.

Genome-Nilou Lab
Classification: Benign for Myopathy, myofibrillar, 9, with early respiratory failure. Last evaluated: 2021-09-10. Review status: criteria provided, single submitter. Criteria: ACMG Guidelines, 2015. Collection method: clinical testing. Allele origin: germline. Affected: no.

Genome-Nilou Lab
Classification: Benign for Early-onset myopathy with fatal cardiomyopathy. Last evaluated: 2021-09-10. Review status: criteria provided, single submitter. Criteria: ACMG Guidelines, 2015. Collection method: clinical testing. Allele origin: germline. Affected: no.

Genome-Nilou Lab
Classification: Benign for Tibial muscular dystrophy. Last evaluated: 2021-09-10. Review status: criteria provided, single submitter. Criteria: ACMG Guidelines, 2015. Collection method: clinical testing. Allele origin: germline. Affected: no.

GeneDx
Classification: Likely benign. Last evaluated: 2020-10-22. Review status: criteria provided, single submitter. Criteria: GeneDx Variant Classification Process June 2021. Collection method: clinical testing. Allele origin: germline. Affected: yes.

Women's Health and Genetics/Laboratory Corporation of America, LabCorp
Classification: Likely benign. Last evaluated: 2020-08-24. Review status: criteria provided, single submitter. Criteria: LabCorp Variant Classification Summary - May 2015. Collection method: clinical testing. Allele origin: germline.

Eurofins Ntd Llc (ga)
Classification: Likely benign. Last evaluated: 2017-04-13. Review status: criteria provided, single submitter. Criteria: EGL Classification Definitions 2015. Collection method: clinical testing. Allele origin: germline. Observed: 2 variant alleles, 2 heterozygotes.

Laboratory for Molecular Medicine, Mass General Brigham Personalized Medicine
Classification: Likely benign. Last evaluated: 2015-07-29. Review status: criteria provided, single submitter. Criteria: LMM Criteria. Collection method: clinical testing. Allele origin: germline. Observed: 1 variant allele.
Comment: p.Gly4461Gly in exon 55 of TTN: This variant is not expected to have clinical si gnificance because it does not alter an amino acid residue and is not located wi thin the splice consensus sequence. It has been identified in 0.2% (19/9796) of African chromosomes by the Exome Aggregation Consortium (ExAC).

Clinical Genetics DNA and cytogenetics Diagnostics Lab, Erasmus MC, Erasmus Medical Center
Classification: Likely benign. Review status: no assertion criteria provided. Collection method: clinical testing. Allele origin: germline. Affected: yes. Study: VKGL Data-share Consensus. Not counted in ClinVar's aggregate classification.

Clinical Genetics, Academic Medical Center
Classification: Benign. Review status: no assertion criteria provided. Collection method: clinical testing. Allele origin: germline. Affected: yes. Study: VKGL Data-share Consensus. Not counted in ClinVar's aggregate classification.